The following is an entry in ClinVar:

NM_080425.4(GNAS):c.17G>A (p.Cys6Tyr)

Gene: GNAS (GNAS complex locus; plus strand). Cytogenetic location: 20q13.32.
Variant type: single nucleotide variant.
Coding change: c.17G>A on transcript NM_080425.4 (MANE Plus Clinical); coding-DNA position 17, G replaced by A.
Protein change: p.Cys6Tyr; replaces cysteine 6 with tyrosine.
Molecular consequence: missense variant. On other transcripts: 5 prime UTR variant (2), intron variant (3).
Genome position (GRCh38, 1-based): chr20:58,853,282, G>A. VCF-style: chr20-58853282-G-A. GRCh37 (hg19) VCF-style: chr20-57428337-G-A.
Other names: c.-171G>A (NM_001077490.3, NM_001309883.1); c.17G>A, p.Cys6Tyr (NM_001410913.1); c.*42+12396G>A (NM_016592.5); c.43+12396G>A (NM_001410912.1); c.-39+11407G>A (NM_001309861.2); short protein forms C6Y.
Identifiers: ClinVar variation 2431006 (VCV002431006.1), dbSNP rs2516359755, ClinGen allele CA409454294.

ClinVar aggregate classification (germline): Uncertain significance (1 of 4 stars; one submission).

Submission:

GeneDx
Classification: Uncertain significance. Last evaluated: 2022-08-23. Review status: criteria provided, single submitter. Criteria: GeneDx Variant Classification Process June 2021. Collection method: clinical testing. Allele origin: germline. Affected: yes.
Comment: Not observed at significant frequency in large population cohorts (gnomAD); Has not been previously published as pathogenic or benign to our knowledge; In-silico analysis is inconclusive as to whether the variant alters gene splicing. In the absence of RNA/functional studies, the actual effect of this sequence change is unknown.